The following is an entry in ClinVar:

NM_001371727.1(GABRB2):c.166G>C (p.Gly56Arg)

Gene: GABRB2 (gamma-aminobutyric acid type A receptor subunit beta2; minus strand). Cytogenetic location: 5q34.
Variant type: single nucleotide variant.
Coding change: c.166G>C on transcript NM_001371727.1 (MANE Select); coding-DNA position 166, G replaced by C.
Protein change: p.Gly56Arg; replaces glycine 56 with arginine.
Molecular consequence: missense variant.
Genome position (GRCh38, 1-based): chr5:161,546,325, C>G on the plus strand (G>C on the coding strand, the complement: GABRB2 is on the minus strand). VCF-style: chr5-161546325-C-G. GRCh37 (hg19) VCF-style: chr5-160973331-C-G.
Other names: c.166G>C, p.Gly56Arg (NM_000813.3, NM_021911.3); short protein forms G56R.
Identifiers: ClinVar variation 429668 (VCV000429668.2), dbSNP rs1131691519, ClinGen allele CA362172531.

ClinVar aggregate classification (germline): Uncertain significance (1 of 4 stars; one submission).

Submission:

GeneDx
Classification: Uncertain significance. Last evaluated: 2017-05-04. Review status: criteria provided, single submitter. Criteria: GeneDx Variant Classification (06012015). Collection method: clinical testing. Allele origin: germline. Affected: yes.
Comment: A variant of uncertain significance has been identified in the GABRB2 gene. The G56R variant has not been published as a pathogenic variant, nor has it been reported as a benign variant to our knowledge. The G56R variant is not observed in large population cohorts (Lek et al., 2016; 1000 Genomes Consortium et al., 2015; Exome Variant Server). The G56R variant is a non-conservative amino acid substitution, which is likely to impact secondary protein structure as these residues differ in polarity, charge, size and/or other properties. This substitution occurs at a position that is conserved across species and in silico analysis predicts this variant is probably damaging to the protein structure/function. However, missense variants in nearby residues have not been reported in Human Gene Mutation Database in association with GABRB2-related disorders (Stenson et al., 2014). Therefore, based on the currently available information, it is unclear whether this variant is a pathogenic variant or a rare benign variant.